The following is an entry in ClinVar:

ClinVar aggregate classification (germline): Uncertain significance. Review status: criteria provided, multiple submitters, no conflicts (2 of 4 stars). 2 submissions from 2 submitters: Uncertain significance (2). Last evaluated 2025-06-17.

Conditions:
Inborn genetic diseases. Identifiers: MedGen C0950123, MeSH D030342.

gnomAD v4.1: 39 of 1,613,712 alleles (0.0024%); highest among the groups gnomAD compares: Non-Finnish European, 0.0031%; no homozygotes.

Submissions (2):

Ambry Genetics
Classification: Uncertain significance for Inborn genetic diseases. Last evaluated: 2025-06-17. Review status: criteria provided, single submitter. Criteria: Ambry Variant Classification Scheme 2023. Collection method: clinical testing. Allele origin: germline.

Labcorp Genetics (formerly Invitae), Labcorp
Classification: Uncertain significance. Last evaluated: 2024-02-18. Review status: criteria provided, single submitter. Criteria: Invitae Variant Classification Sherloc (09022015). Collection method: clinical testing. Allele origin: germline.
Comment: This sequence change replaces glutamic acid, which is acidic and polar, with glutamine, which is neutral and polar, at codon 718 of the BRD4 protein (p.Glu718Gln). This variant is present in population databases (no rsID available, gnomAD 0.0009%). This variant has not been reported in the literature in individuals affected with BRD4-related conditions. Advanced modeling of protein sequence and biophysical properties (such as structural, functional, and spatial information, amino acid conservation, physicochemical variation, residue mobility, and thermodynamic stability) performed at Invitae indicates that this missense variant is not expected to disrupt BRD4 protein function with a negative predictive value of 80%. In summary, the available evidence is currently insufficient to determine the role of this variant in disease. Therefore, it has been classified as a Variant of Uncertain Significance.

NM_001379291.1(BRD4):c.2152G>C (p.Glu718Gln)

Gene: BRD4 (bromodomain containing 4; minus strand). Cytogenetic location: 19p13.12.
Variant type: single nucleotide variant.
Coding change: c.2152G>C on transcript NM_001379291.1 (MANE Select); coding-DNA position 2152, G replaced by C.
Protein change: p.Glu718Gln; replaces glutamic acid 718 with glutamine.
Molecular consequence: missense variant.
Genome position (GRCh38, 1-based): chr19:15,254,158, C>G on the plus strand (G>C on the coding strand, the complement: BRD4 is on the minus strand). VCF-style: chr19-15254158-C-G. GRCh37 (hg19) VCF-style: chr19-15364969-C-G.
Other names: c.2152G>C, p.Glu718Gln (NM_001330384.2, NM_001379292.1, NM_014299.3 and 1 more transcripts); c.2152G>C (NM_058243.2); short protein forms E718Q.
Identifiers: ClinVar variation 3687646 (VCV003687646.3).
Genomic context (GRCh38, chr19:15,254,158, plus strand): 5'-CCAGGCACAGGTGGGAAGAGTTTGGTAAGACACGTAGAACACAAGTCACCTAACCTGTTT[C>G]GGAGTCTTCGCTGTCAGAGGAGCTGGACTCACTGGAGCTCTCCGACTCTGAGGACGAGAA-3'
Protein context (NP_001366220.1, residues 708-728): ESSSSDSEDS[Glu718Gln]TEMAPKSKKK